The following is an entry in ClinVar:

NM_001271.4(CHD2):c.3367G>T (p.Val1123Leu)

Gene: CHD2 (chromodomain helicase DNA binding protein 2; plus strand). Cytogenetic location: 15q26.1.
Variant type: single nucleotide variant.
Coding change: c.3367G>T on transcript NM_001271.4 (MANE Select); coding-DNA position 3367, G replaced by T.
Protein change: p.Val1123Leu; replaces valine 1123 with leucine.
Molecular consequence: missense variant.
Genome position (GRCh38, 1-based): chr15:92,985,627, G>T. VCF-style: chr15-92985627-G-T. GRCh37 (hg19) VCF-style: chr15-93528857-G-T.
Other names: short protein forms V1123L.
Identifiers: ClinVar variation 588933 (VCV000588933.24), dbSNP rs1295966448, ClinGen allele CA393895765.

ClinVar aggregate classification (germline): Uncertain significance. Review status: criteria provided, multiple submitters, no conflicts (2 of 4 stars). 4 submissions from 4 submitters: Uncertain significance (4). Last evaluated 2024-11-01.

Conditions:
Inborn genetic diseases. Identifiers: MedGen C0950123, MeSH D030342.
Developmental and epileptic encephalopathy 94 (DEE94). Also called: Epileptic encephalopathy, childhood-onset; CHD2-Related Neurodevelopmental Disorders. Identifiers: Orphanet 1942, Orphanet 2382, MedGen C3809278, MONDO:0014150, OMIM 615369.

Allele frequency attached by ClinVar (database versions not stated): gnomAD exomes below 0.00001; TOPMed below 0.00001; gnomAD 0.00001.
gnomAD v4.1: 6 of 1,613,638 alleles (0.00037%); highest among the groups gnomAD compares: Non-Finnish European, 0.00051%; no homozygotes.

Submissions (4):

CeGaT Center for Human Genetics Tuebingen
Classification: Uncertain significance. Last evaluated: 2024-11-01. Review status: criteria provided, single submitter. Criteria: CeGaT Center For Human Genetics Tuebingen Variant Classification Criteria Version 2. Collection method: clinical testing. Allele origin: germline. Affected: yes. Observed: 1 variant allele.
Comment: CHD2: PP2

Labcorp Genetics (formerly Invitae), Labcorp
Classification: Uncertain significance for Developmental and epileptic encephalopathy 94. Last evaluated: 2024-09-26. Review status: criteria provided, single submitter. Criteria: Invitae Variant Classification Sherloc (09022015). Collection method: clinical testing. Allele origin: germline.
Comment: This sequence change replaces valine, which is neutral and non-polar, with leucine, which is neutral and non-polar, at codon 1123 of the CHD2 protein (p.Val1123Leu). This variant is not present in population databases (gnomAD no frequency). This variant has not been reported in the literature in individuals affected with CHD2-related conditions. ClinVar contains an entry for this variant (Variation ID: 588933). Invitae Evidence Modeling of protein sequence and biophysical properties (such as structural, functional, and spatial information, amino acid conservation, physicochemical variation, residue mobility, and thermodynamic stability) indicates that this missense variant is not expected to disrupt CHD2 protein function with a negative predictive value of 95%. In summary, the available evidence is currently insufficient to determine the role of this variant in disease. Therefore, it has been classified as a Variant of Uncertain Significance.

Ambry Genetics
Classification: Uncertain significance for Inborn genetic diseases. Last evaluated: 2017-04-20. Review status: criteria provided, single submitter. Criteria: Ambry Variant Classification Scheme 2023. Collection method: clinical testing. Allele origin: germline.
Comment: The p.V1123L variant (also known as c.3367G>T), located in coding exon 25 of the CHD2 gene, results from a G to T substitution at nucleotide position 3367. The valine at codon 1123 is replaced by leucine, an amino acid with highly similar properties. This amino acid position is not well conserved in available vertebrate species. In addition, this alteration is predicted to be tolerated by in silico analysis. Since supporting evidence is limited at this time, the clinical significance of this alteration remains unclear.

Centre for Mendelian Genomics, University Medical Centre Ljubljana
Classification: Uncertain significance for Developmental and epileptic encephalopathy 94. Last evaluated: 2016-01-01. Review status: criteria provided, single submitter. Criteria: ACMG Guidelines, 2015. Collection method: clinical testing. Allele origin: unknown. Affected: yes.
Comment: This variant was classified as: Uncertain significance. The following ACMG criteria were applied in classifying this variant: PM2.